The following is an entry in ClinVar:

ClinVar aggregate classification (germline): Uncertain significance. Review status: criteria provided, multiple submitters, no conflicts (2 of 4 stars). 2 submissions from 2 submitters: Uncertain significance (2). Last evaluated 2025-04-20.

Conditions:
Hereditary cancer-predisposing syndrome. Also called: Neoplastic Syndromes, Hereditary; Tumor predisposition; Hereditary neoplastic syndrome; Hereditary Cancer Syndrome. Identifiers: Orphanet 140162, MedGen C0027672, MeSH D009386, MONDO:0015356.
Renal cell carcinoma. Identifiers: Orphanet 217071, MedGen C0007134, MeSH D002292, MONDO:0005086, HP:0005584.

Submissions (2):

Ambry Genetics
Classification: Uncertain significance for Hereditary cancer-predisposing syndrome. Last evaluated: 2025-04-20. Review status: criteria provided, single submitter. Criteria: Ambry Variant Classification Scheme 2023. Collection method: clinical testing. Allele origin: germline.
Comment: The p.L575F variant (also known as c.1723C>T), located in coding exon 5 of the MET gene, results from a C to T substitution at nucleotide position 1723. The leucine at codon 575 is replaced by phenylalanine, an amino acid with highly similar properties. This amino acid position is conserved. In addition, this alteration is predicted to be tolerated by in silico analysis. Based on the available evidence, the clinical significance of this variant remains unclear.

Labcorp Genetics (formerly Invitae), Labcorp
Classification: Uncertain significance for Renal cell carcinoma. Last evaluated: 2025-03-20. Review status: criteria provided, single submitter. Criteria: Invitae Variant Classification Sherloc (09022015). Collection method: clinical testing. Allele origin: germline.
Comment: This sequence change replaces leucine, which is neutral and non-polar, with phenylalanine, which is neutral and non-polar, at codon 575 of the MET protein (p.Leu575Phe). This variant is not present in population databases (gnomAD no frequency). This variant has not been reported in the literature in individuals affected with MET-related conditions. Invitae Evidence Modeling of protein sequence and biophysical properties (such as structural, functional, and spatial information, amino acid conservation, physicochemical variation, residue mobility, and thermodynamic stability) indicates that this missense variant is not expected to disrupt MET protein function with a negative predictive value of 80%. In summary, the available evidence is currently insufficient to determine the role of this variant in disease. Therefore, it has been classified as a Variant of Uncertain Significance.

NM_000245.4(MET):c.1723C>T (p.Leu575Phe)

Gene: MET (MET proto-oncogene, receptor tyrosine kinase; plus strand). Cytogenetic location: 7q31.2.
Variant type: single nucleotide variant.
Coding change: c.1723C>T on transcript NM_000245.4 (MANE Select); coding-DNA position 1723, C replaced by T.
Protein change: p.Leu575Phe; replaces leucine 575 with phenylalanine.
Molecular consequence: missense variant.
Genome position (GRCh38, 1-based): chr7:116,755,376, C>T. VCF-style: chr7-116755376-C-T. GRCh37 (hg19) VCF-style: chr7-116395430-C-T.
Other names: c.1723C>T, p.Leu575Phe (NM_001127500.3, NM_001324401.3); c.433C>T, p.Leu145Phe (NM_001324402.2); short protein forms L575F, L145F.
Identifiers: ClinVar variation 4053899 (VCV004053899.2).
Genomic context (GRCh38, chr7:116,755,376, plus strand): 5'-ATATTGGGTTTTTTTAAAAGTTCTATGTTGTCCTTGTAGGTTTTCCCAAATAGTGCACCC[C>T]TTGAAGGAGGGACAAGGCTGACCATATGTGGCTGGGACTTTGGATTTCGGAGGAATAATA-3'
Protein context (NP_000236.2, residues 565-585): IYKVFPNSAP[Leu575Phe]EGGTRLTICG